The following is an entry in ClinVar:

NM_004004.6(GJB2):c.97A>C (p.Ile33Leu)

Gene: GJB2 (gap junction protein beta 2; minus strand). Cytogenetic location: 13q12.11.
Variant type: single nucleotide variant.
Coding change: c.97A>C on transcript NM_004004.6 (MANE Select); coding-DNA position 97, A replaced by C.
Protein change: p.Ile33Leu; replaces isoleucine 33 with leucine.
Molecular consequence: missense variant.
Genome position (GRCh38, 1-based): chr13:20,189,485, T>G on the plus strand (A>C on the coding strand, the complement: GJB2 is on the minus strand). VCF-style: chr13-20189485-T-G. GRCh37 (hg19) VCF-style: chr13-20763624-T-G.
Other names: short protein forms I33L.
Identifiers: ClinVar variation 4076706 (VCV004076706.1).

ClinVar aggregate classification (germline): Uncertain significance (1 of 4 stars; one submission).

Submission:

GeneDx
Classification: Uncertain significance. Last evaluated: 2025-02-25. Review status: criteria provided, single submitter. Criteria: GeneDx Variant Classification Process June 2021. Collection method: clinical testing. Allele origin: germline. Affected: yes.
Comment: Not observed at significant frequency in large population cohorts (gnomAD); In silico analysis indicates that this missense variant does not alter protein structure/function; Has not been previously published as pathogenic or benign to our knowledge